The following is an entry in ClinVar:

NM_001005361.3(DNM2):c.471G>A (p.Lys157=)

Gene: DNM2 (dynamin 2; plus strand). Cytogenetic location: 19p13.2.
Variant type: single nucleotide variant.
Coding change: c.471G>A on transcript NM_001005361.3 (MANE Select); coding-DNA position 471, G replaced by A.
Protein change: p.Lys157=; no amino-acid change (lysine 157 retained).
Molecular consequence: synonymous variant.
Genome position (GRCh38, 1-based): chr19:10,775,788, G>A. VCF-style: chr19-10775788-G-A. GRCh37 (hg19) VCF-style: chr19-10886464-G-A.
Other names: c.471G>A, p.Lys157= (NM_001005360.3, NM_001005362.3, NM_001190716.2 and 1 more transcripts).
Identifiers: ClinVar variation 388639 (VCV000388639.10), dbSNP rs757708760, ClinGen allele CA9200805.

ClinVar aggregate classification (germline): Likely benign. Review status: criteria provided, multiple submitters, no conflicts (2 of 4 stars). 3 submissions from 3 submitters: Likely benign (3). Last evaluated 2025-09-02.

Conditions:
Charcot-Marie-Tooth disease dominant intermediate B (CMTDIB). Also called: CHARCOT-MARIE-TOOTH NEUROPATHY, DOMINANT INTERMEDIATE B; Charcot-Marie-Tooth disease dominant intermediate 1; CMT DI1; Charcot-Marie-Tooth disease dominant intermediate I. Identifiers: Orphanet 100044, Orphanet 228179, MedGen C1847902, MONDO:0011674, OMIM 606482.
Inborn genetic diseases. Identifiers: MedGen C0950123, MeSH D030342.

Allele frequency attached by ClinVar (database versions not stated): gnomAD 0.00001 and 0.00003.
gnomAD v4.1: 10 of 1,614,048 alleles (0.00062%); highest among the groups gnomAD compares: Admixed American, 0.01%; no homozygotes.

Submissions (3):

Labcorp Genetics (formerly Invitae), Labcorp
Classification: Likely benign for Charcot-Marie-Tooth disease dominant intermediate B. Last evaluated: 2025-09-02. Review status: criteria provided, single submitter. Criteria: Invitae Variant Classification Sherloc (09022015). Collection method: clinical testing. Allele origin: germline.

Ambry Genetics
Classification: Likely benign for Inborn genetic diseases. Last evaluated: 2019-07-11. Review status: criteria provided, single submitter. Criteria: Ambry Variant Classification Scheme 2023. Collection method: clinical testing. Allele origin: germline.

GeneDx
Classification: Likely benign. Last evaluated: 2016-08-31. Review status: criteria provided, single submitter. Criteria: GeneDx Variant Classification (06012015). Collection method: clinical testing. Allele origin: germline. Affected: yes.
Comment: This variant is considered likely benign or benign based on one or more of the following criteria: it is a conservative change, it occurs at a poorly conserved position in the protein, it is predicted to be benign by multiple in silico algorithms, and/or has population frequency not consistent with disease.